The following is an entry in ClinVar:

NM_006767.4(LZTR1):c.2407-3C>G

Gene: LZTR1 (leucine zipper like post translational regulator 1; plus strand). Cytogenetic location: 22q11.21.
Variant type: single nucleotide variant.
Coding change: c.2407-3C>G on transcript NM_006767.4 (MANE Select); 3 bases into the intron before coding-DNA position 2407, C replaced by G.
Molecular consequence: intron variant.
Genome position (GRCh38, 1-based): chr22:20,997,229, C>G. VCF-style: chr22-20997229-C-G. GRCh37 (hg19) VCF-style: chr22-21351518-C-G.
Identifiers: ClinVar variation 2504949 (VCV002504949.3), dbSNP rs1284929387, ClinGen allele CA638550472.

ClinVar aggregate classification (germline): Uncertain significance. Review status: criteria provided, multiple submitters, no conflicts (2 of 4 stars). 2 submissions from 2 submitters: Uncertain significance (2). Last evaluated 2024-02-23.

Allele frequency attached by ClinVar (database versions not stated): gnomAD exomes below 0.00001.
gnomAD v4.1: 2 of 1,600,792 alleles (0.00012%); highest among the groups gnomAD compares: Non-Finnish European, 0.00017%; no homozygotes.

Submissions (2):

Labcorp Genetics (formerly Invitae), Labcorp
Classification: Uncertain significance. Last evaluated: 2024-02-23. Review status: criteria provided, single submitter. Criteria: Invitae Variant Classification Sherloc (09022015). Collection method: clinical testing. Allele origin: germline.
Comment: This sequence change falls in intron 20 of the LZTR1 gene. It does not directly change the encoded amino acid sequence of the LZTR1 protein. It affects a nucleotide within the consensus splice site. This variant is present in population databases (no rsID available, gnomAD 0.0009%). This variant has not been reported in the literature in individuals affected with LZTR1-related conditions. ClinVar contains an entry for this variant (Variation ID: 2504949). Variants that disrupt the consensus splice site are a relatively common cause of aberrant splicing (PMID: 17576681, 9536098). Algorithms developed to predict the effect of sequence changes on RNA splicing suggest that this variant may disrupt the consensus splice site. In summary, the available evidence is currently insufficient to determine the role of this variant in disease. Therefore, it has been classified as a Variant of Uncertain Significance.

GeneDx
Classification: Uncertain significance. Last evaluated: 2022-12-12. Review status: criteria provided, single submitter. Criteria: GeneDx Variant Classification Process June 2021. Collection method: clinical testing. Allele origin: germline. Affected: yes.
Comment: Not observed at significant frequency in large population cohorts (gnomAD); In silico analysis supports a deleterious effect on splicing; Has not been previously published as pathogenic or benign to our knowledge

Literature cited by the submitters: PubMed 17576681 (cited by Labcorp Genetics (formerly Invitae), Labcorp); PubMed 9536098 (cited by Labcorp Genetics (formerly Invitae), Labcorp).